The following is an entry in ClinVar:

ClinVar aggregate classification (germline): Likely pathogenic (1 of 4 stars; one submission).

Conditions:
Hereditary cancer-predisposing syndrome. Also called: Neoplastic Syndromes, Hereditary; Tumor predisposition; Hereditary Cancer Syndrome; Hereditary neoplastic syndrome. Identifiers: Orphanet 140162, MedGen C0027672, MeSH D009386, MONDO:0015356.

Submission:

Ambry Genetics
Classification: Likely pathogenic for Hereditary cancer-predisposing syndrome. Last evaluated: 2017-11-02. Review status: criteria provided, single submitter. Criteria: Ambry Variant Classification Scheme 2023. Collection method: clinical testing. Allele origin: germline.
Comment: The c.848+2T>A intronic variant results from a T to A substitution two nucleotides after coding exon 8 in the TSC2 gene. Using the BDGP and ESEfinder splice site prediction tools, this alteration is predicted to abolish the native splice donor site; however, direct evidence is unavailable. Based on the majority of available evidence to date, this variant is likely to be pathogenic.

NM_000548.5(TSC2):c.848+2T>A

Gene: TSC2 (TSC complex subunit 2; plus strand). Cytogenetic location: 16p13.3.
Variant type: single nucleotide variant.
Coding change: c.848+2T>A on transcript NM_000548.5 (MANE Select); the canonical splice donor site of the intron after coding-DNA position 848, T replaced by A.
Molecular consequence: splice donor variant.
Genome position (GRCh38, 1-based): chr16:2,057,180, T>A. VCF-style: chr16-2057180-T-A. GRCh37 (hg19) VCF-style: chr16-2107181-T-A.
Other names: c.-584+2T>A (NM_001406693.1, NM_001406689.1, NM_001406690.1 and 4 more transcripts); c.938+2T>A (NM_001406667.1, NM_001406668.1); c.248+2T>A (NM_001406680.1, NM_001406683.1, NM_001406687.1 and 6 more transcripts); c.-760+2T>A (NM_001406698.1); c.848+2T>A (NM_001114382.3, NM_001406663.1, NM_001406664.1 and 6 more transcripts); c.-465+2T>A (NM_001406694.1, NM_001406695.1); c.836+2T>A (NM_001406671.1, NM_001406673.1); c.386+2T>A (NM_001406681.1); and 4 more.
Identifiers: ClinVar variation 1763543 (VCV001763543.2), dbSNP rs1555499119, ClinGen allele CA394313609.